The following is an entry in ClinVar:

ClinVar aggregate classification (germline): Uncertain significance (1 of 4 stars; one submission).

Submission:

GeneDx
Classification: Uncertain significance. Last evaluated: 2023-04-25. Review status: criteria provided, single submitter. Criteria: GeneDx Variant Classification Process June 2021. Collection method: clinical testing. Allele origin: germline. Affected: yes.
Comment: Not observed at significant frequency in large population cohorts (gnomAD); In silico analysis supports that this missense variant has a deleterious effect on protein structure/function; Has not been previously published as pathogenic or benign to our knowledge

NM_004736.4(XPR1):c.26C>G (p.Ala9Gly)

Gene: XPR1 (xenotropic and polytropic retrovirus receptor 1; plus strand). Cytogenetic location: 1q25.3.
Variant type: single nucleotide variant.
Coding change: c.26C>G on transcript NM_004736.4 (MANE Select); coding-DNA position 26, C replaced by G.
Protein change: p.Ala9Gly; replaces alanine 9 with glycine.
Molecular consequence: missense variant. On other transcripts: non-coding transcript variant (1).
Genome position (GRCh38, 1-based): chr1:180,632,227, C>G. VCF-style: chr1-180632227-C-G. GRCh37 (hg19) VCF-style: chr1-180601363-C-G.
Other names: c.26C>G, p.Ala9Gly (NM_001135669.2, NM_001328662.2); short protein forms A9G.
Identifiers: ClinVar variation 2662874 (VCV002662874.1), dbSNP rs1218186256, ClinGen allele CA343839783.